The following is an entry in ClinVar:

ClinVar aggregate classification (germline): Uncertain significance. Review status: criteria provided, multiple submitters, no conflicts (2 of 4 stars). 4 submissions from 4 submitters: Uncertain significance (4). Last evaluated 2023-10-03.

Conditions:
Epilepsy, childhood absence 4 (ECA4). Also called: EPILEPSY, CHILDHOOD ABSENCE, SUSCEPTIBILITY TO, 4. Identifiers: Orphanet 307, MedGen C1970160.
Idiopathic generalized epilepsy. Also called: EIG; Generalised epilepsy. Identifiers: MedGen C0270850, MONDO:0005579, OMIM 600669.
Epilepsy, idiopathic generalized, susceptibility to, 13. Also called: EPILEPSY, JUVENILE MYOCLONIC, SUSCEPTIBILITY TO, 5. Identifiers: Orphanet 307, Orphanet 64280, MedGen C4013473, MONDO:0012627, OMIM 611136.

Allele frequency attached by ClinVar (database versions not stated): gnomAD exomes below 0.00001 and 0.00001; TOPMed below 0.00001; gnomAD 0.00002.
gnomAD v4.1: 10 of 1,613,920 alleles (0.00062%); highest among the groups gnomAD compares: Admixed American, 0.0017%; no homozygotes.

Submissions (4):

Labcorp Genetics (formerly Invitae), Labcorp
Classification: Uncertain significance for Epilepsy, childhood absence 4; Epilepsy, idiopathic generalized, susceptibility to, 13; Idiopathic generalized epilepsy. Last evaluated: 2023-10-03. Review status: criteria provided, single submitter. Criteria: Invitae Variant Classification Sherloc (09022015). Collection method: clinical testing. Allele origin: germline.
Comment: This sequence change replaces threonine, which is neutral and polar, with serine, which is neutral and polar, at codon 412 of the GABRA1 protein (p.Thr412Ser). This variant is present in population databases (no rsID available, gnomAD 0.002%). This variant has not been reported in the literature in individuals affected with GABRA1-related conditions. ClinVar contains an entry for this variant (Variation ID: 453024). Advanced modeling of protein sequence and biophysical properties (such as structural, functional, and spatial information, amino acid conservation, physicochemical variation, residue mobility, and thermodynamic stability) has been performed at Invitae for this missense variant, however the output from this modeling did not meet the statistical confidence thresholds required to predict the impact of this variant on GABRA1 protein function. In summary, the available evidence is currently insufficient to determine the role of this variant in disease. Therefore, it has been classified as a Variant of Uncertain Significance.

Athena Diagnostics
Classification: Uncertain significance. Last evaluated: 2020-11-24. Review status: criteria provided, single submitter. Criteria: Athena Diagnostics criteria. Collection method: clinical testing. Allele origin: unknown.

GeneDx
Classification: Uncertain significance. Last evaluated: 2017-10-23. Review status: criteria provided, single submitter. Criteria: GeneDx Variant Classification (06012015). Collection method: clinical testing. Allele origin: germline. Affected: yes.
Comment: The T412S variant in the GABRA1 gene has not been reported previously as a pathogenic variant, nor as a benign variant, to our knowledge. The T412S variant is not observed at a significant frequency in large population cohorts (Lek et al., 2016). The T412S variant is a conservative amino acid substitution, which is not likely to impact secondary protein structure as these residues share similar properties. While this substitution occurs at a position that is conserved across species, in silico analysis is inconsistent in its predictions as to whether or not the variant is damaging to the protein structure/function. We interpret T412S as a variant of uncertain significance.

CeGaT Center for Human Genetics Tuebingen
Classification: Uncertain significance. Last evaluated: 2016-06-01. Review status: criteria provided, single submitter. Criteria: CeGaT Center For Human Genetics Tuebingen Variant Classification Criteria Version 2. Collection method: clinical testing. Allele origin: germline. Affected: yes. Observed: 1 variant allele.

NM_001127644.2(GABRA1):c.1234A>T (p.Thr412Ser)

Gene: GABRA1 (gamma-aminobutyric acid type A receptor subunit alpha1; plus strand). Cytogenetic location: 5q34.
Variant type: single nucleotide variant.
Coding change: c.1234A>T on transcript NM_001127644.2 (MANE Select); coding-DNA position 1234, A replaced by T.
Protein change: p.Thr412Ser; replaces threonine 412 with serine.
Molecular consequence: missense variant.
Genome position (GRCh38, 1-based): chr5:161,897,285, A>T. VCF-style: chr5-161897285-A-T. GRCh37 (hg19) VCF-style: chr5-161324291-A-T.
Other names: c.1234A>T, p.Thr412Ser (NM_000806.5, NM_001127643.2, NM_001127645.2 and 1 more transcripts); short protein forms T412S.
Identifiers: ClinVar variation 453024 (VCV000453024.51), dbSNP rs1229633395, ClinGen allele CA362180983.